The following is an entry in ClinVar:

NM_005267.5(GJA8):c.893A>G (p.Asn298Ser)

Gene: GJA8 (gap junction protein alpha 8; plus strand). Cytogenetic location: 1q21.2.
Variant type: single nucleotide variant.
Coding change: c.893A>G on transcript NM_005267.5 (MANE Select); coding-DNA position 893, A replaced by G.
Protein change: p.Asn298Ser; replaces asparagine 298 with serine.
Molecular consequence: missense variant.
Genome position (GRCh38, 1-based): chr1:147,908,848, A>G. VCF-style: chr1-147908848-A-G. GRCh37 (hg19) VCF-style: chr1-147380975-A-G.
Other names: short protein forms N298S.
Identifiers: ClinVar variation 292469 (VCV000292469.12), dbSNP rs142376567, ClinGen allele CA1066026.

ClinVar aggregate classification (germline): Benign/Likely benign. Review status: criteria provided, multiple submitters, no conflicts (2 of 4 stars). 4 submissions from 4 submitters: Benign (2); Likely benign (2). Last evaluated 2025-08-13.

Conditions:
Inborn genetic diseases. Identifiers: MedGen C0950123, MeSH D030342.
Cataract 1 multiple types. Also called: CATARACT, DUFFY-LINKED; CATARACT 1, NUCLEAR PROGRESSIVE; CATARACT 1 WITH MICROCORNEA; CATARACT 1, POSTERIOR SUBCAPSULAR, WITH MICROCORNEA; CATARACT 1, STELLATE NUCLEAR, WITH MICROCORNEA; CATARACT 1, MULTIPLE TYPES, WITH OR WITHOUT MICROCORNEA. Identifiers: Orphanet 1377, MedGen C1861828, MONDO:0007285, OMIM 116200.
GJA8-related disorder. Also called: GJA8-related condition.

Allele frequency attached by ClinVar (database versions not stated): gnomAD exomes 0.00011 and 0.00036; ExAC 0.00053; gnomAD 0.00156 and 0.00163; TOPMed 0.00164; ESP Exome Variant Server 0.00185; 1000 Genomes Project 30x 0.00234; 1000 Genomes Project 0.00260.
gnomAD v4.1: 395 of 1,614,186 alleles (0.024%); highest among the groups gnomAD compares: African/African-American, 0.48%; 1 homozygote.

Submissions (4):

Labcorp Genetics (formerly Invitae), Labcorp
Classification: Likely benign for Cataract 1 multiple types. Last evaluated: 2025-08-13. Review status: criteria provided, single submitter. Criteria: Invitae Variant Classification Sherloc (09022015). Collection method: clinical testing. Allele origin: germline.

PreventionGenetics, part of Exact Sciences
Classification: Benign for GJA8-related condition. Last evaluated: 2025-02-05. Review status: criteria provided, single submitter. Criteria: ACMG Guidelines, 2015. Collection method: clinical testing. Allele origin: germline.
Comment: This variant is classified as benign based on ACMG/AMP sequence variant interpretation guidelines (Richards et al. 2015 PMID: 25741868, with internal and published modifications).

Ambry Genetics
Classification: Likely benign for Inborn genetic diseases. Last evaluated: 2021-09-16. Review status: criteria provided, single submitter. Criteria: Ambry Variant Classification Scheme 2023. Collection method: clinical testing. Allele origin: germline.

Illumina Laboratory Services, Illumina
Classification: Benign for Cataract 1 multiple types. Last evaluated: 2018-01-13. Review status: criteria provided, single submitter. Criteria: ICSL Variant Classification Criteria 13 December 2019. Collection method: clinical testing. Allele origin: germline.
Comment: This variant was observed in the ICSL laboratory as part of a predisposition screen in an ostensibly healthy population. It had not been previously curated by ICSL or reported in the Human Gene Mutation Database (HGMD: prior to June 1st, 2018), and was therefore a candidate for classification through an automated scoring system. Utilizing variant allele frequency, disease prevalence and penetrance estimates, and inheritance mode, an automated score was calculated to assess if this variant is too frequent to cause the disease. Based on the score and internal cut-off values, a variant classified as benign is not then subjected to further curation. The score for this variant resulted in a classification of benign for this disease.